The following is an entry in ClinVar:

ClinVar aggregate classification (germline): Uncertain significance (1 of 4 stars; one submission).

Conditions:
Arrhythmogenic right ventricular dysplasia 12. Also called: ARRHYTHMOGENIC RIGHT VENTRICULAR DYSPLASIA, FAMILIAL, 12. Identifiers: MedGen C1969081, MONDO:0012684, OMIM 611528.
Naxos disease (NXD). Also called: KERATOSIS PALMOPLANTARIS WITH ARRHYTHMOGENIC CARDIOMYOPATHY; MAL DE NAXOS; PALMOPLANTAR KERATODERMA WITH ARRHYTHMOGENIC RIGHT VENTRICULAR CARDIOMYOPATHY AND WOOLLY HAIR; WOOLLY HAIR, PALMOPLANTAR KERATODERMA, AND CARDIAC ABNORMALITIES; CARDIOMYOPATHY, ARRHYTHMOGENIC RIGHT VENTRICULAR, WITH SKIN, HAIR, AND NAIL ABNORMALITIES. Identifiers: Orphanet 34217, MedGen C1832600, MONDO:0011017, OMIM 601214.

Submission:

Labcorp Genetics (formerly Invitae), Labcorp
Classification: Uncertain significance for Arrhythmogenic right ventricular dysplasia 12; Naxos disease. Last evaluated: 2024-10-24. Review status: criteria provided, single submitter. Criteria: Invitae Variant Classification Sherloc (09022015). Collection method: clinical testing. Allele origin: germline.
Comment: This sequence change replaces proline, which is neutral and non-polar, with glutamine, which is neutral and polar, at codon 677 of the JUP protein (p.Pro677Gln). This variant is not present in population databases (gnomAD no frequency). This variant has not been reported in the literature in individuals affected with JUP-related conditions. An algorithm developed to predict the effect of missense changes on protein structure and function (PolyPhen-2) suggests that this variant is likely to be tolerated. In summary, the available evidence is currently insufficient to determine the role of this variant in disease. Therefore, it has been classified as a Variant of Uncertain Significance.

NM_002230.4(JUP):c.2030C>A (p.Pro677Gln)

Gene: JUP (junction plakoglobin; minus strand). Cytogenetic location: 17q21.2.
Variant type: single nucleotide variant.
Coding change: c.2030C>A on transcript NM_002230.4 (MANE Select); coding-DNA position 2030, C replaced by A.
Protein change: p.Pro677Gln; replaces proline 677 with glutamine.
Molecular consequence: missense variant.
Genome position (GRCh38, 1-based): chr17:41,757,431, G>T on the plus strand (C>A on the coding strand, the complement: JUP is on the minus strand). VCF-style: chr17-41757431-G-T. GRCh37 (hg19) VCF-style: chr17-39913683-G-T.
Other names: c.2030C>A, p.Pro677Gln (NM_001352775.2, NM_001352776.2, NM_001352777.2 and 3 more transcripts); short protein forms P677Q.
Identifiers: ClinVar variation 3759580 (VCV003759580.2).